The following is an entry in ClinVar:

ClinVar aggregate classification (germline): Likely benign. Review status: criteria provided, multiple submitters, no conflicts (2 of 4 stars). 2 submissions from 2 submitters: Likely benign (2). Last evaluated 2025-06-11.

Conditions:
TBR1-related disorder. Also called: TBR1-related condition.
Inborn genetic diseases. Identifiers: MedGen C0950123, MeSH D030342.

Allele frequency attached by ClinVar (database versions not stated): gnomAD exomes below 0.00001; ExAC 0.00001; TOPMed 0.00003; gnomAD 0.00013; 1000 Genomes Project 0.00020; 1000 Genomes Project 30x 0.00047.
gnomAD v4.1: 34 of 1,607,186 alleles (0.0021%); highest among the groups gnomAD compares: Admixed American, 0.049%; no homozygotes.

Submissions (2):

PreventionGenetics, part of Exact Sciences
Classification: Likely benign for TBR1-related condition. Last evaluated: 2025-06-11. Review status: criteria provided, single submitter. Criteria: ACMG Guidelines, 2015. Collection method: clinical testing. Allele origin: germline.
Comment: This variant is classified as likely benign based on ACMG/AMP sequence variant interpretation guidelines (Richards et al. 2015 PMID: 25741868, with internal and published modifications).

Ambry Genetics
Classification: Likely benign for Inborn genetic diseases. Last evaluated: 2016-05-26. Review status: criteria provided, single submitter. Criteria: Ambry Variant Classification Scheme 2023. Collection method: clinical testing. Allele origin: germline.

NM_006593.4(TBR1):c.1299G>A (p.Gln433=)

Gene: TBR1 (T-box brain transcription factor 1; plus strand). Cytogenetic location: 2q24.2.
Variant type: single nucleotide variant.
Coding change: c.1299G>A on transcript NM_006593.4 (MANE Select); coding-DNA position 1299, G replaced by A.
Protein change: p.Gln433=; no amino-acid change (glutamine 433 retained).
Molecular consequence: synonymous variant.
Genome position (GRCh38, 1-based): chr2:161,423,477, G>A. VCF-style: chr2-161423477-G-A. GRCh37 (hg19) VCF-style: chr2-162279988-G-A.
Other names: c.1299G>A (NM_006593.3).
Identifiers: ClinVar variation 587902 (VCV000587902.6), dbSNP rs571608834, ClinGen allele CA1930953.